The following is an entry in ClinVar:

ClinVar aggregate classification (germline): Likely pathogenic (1 of 4 stars; one submission).

Submission:

Dasa
Classification: Likely pathogenic. Last evaluated: 2026-01-15. Review status: criteria provided, single submitter. Criteria: DASA Assertion Criteria. Collection method: clinical testing. Allele origin: germline.
Comment: NM_058004.4(PI4KA):c.5923+1G>C affects a canonical splice site and is predicted to disrupt normal RNA splicing. Loss of function is an established disease mechanism for PI4KA-associated disorders. Also, this variant is absent from population databases. Based on the currently available evidence, this variant is classified as likely pathogenic.

NM_058004.4(PI4KA):c.5923+1G>C

Gene: PI4KA (phosphatidylinositol 4-kinase alpha; minus strand). Cytogenetic location: 22q11.21.
Variant type: single nucleotide variant.
Coding change: c.5923+1G>C on transcript NM_058004.4 (MANE Select); the canonical splice donor site of the intron after coding-DNA position 5923, G replaced by C.
Molecular consequence: splice donor variant.
Genome position (GRCh38, 1-based): chr22:20,711,340, C>G on the plus strand (G>C on the coding strand, the complement: PI4KA is on the minus strand). VCF-style: chr22-20711340-C-G. GRCh37 (hg19) VCF-style: chr22-21065628-C-G.
Other names: c.5857+1G>C (NM_001362863.2); c.5830+1G>C (NM_001362862.2).
Identifiers: ClinVar variation 4884230 (VCV004884230.2).